The following is an entry in ClinVar:

ClinVar aggregate classification (germline): Pathogenic (1 of 4 stars; one submission).

Submission:

Mayo Clinic Laboratories, Mayo Clinic
Classification: Pathogenic. Last evaluated: 2025-08-25. Review status: criteria provided, single submitter. Criteria: ACMG Guidelines, 2015. Collection method: clinical testing. Allele origin: germline. Observed: 1 variant allele.
Comment: PP4_strong, PM2_supporting, PVS1_strong

Literature cited by the submitters: PubMed 15339844; PubMed 32545517.

NM_002473.6(MYH9):c.5769del (p.Asp1925fs)

Gene: MYH9 (myosin heavy chain 9; minus strand). Cytogenetic location: 22q12.3.
Variant type: Deletion.
Coding change: c.5769del on transcript NM_002473.6 (MANE Select); coding-DNA position 5769, one base deleted (C; older notation c.5769delC).
Protein change: p.Asp1925fs; shifts the reading frame from aspartic acid 1925.
Molecular consequence: frameshift variant.
Genome position (GRCh38, 1-based): chr22:36,282,782, G deleted on the plus strand (C on the coding strand, the reverse complement: MYH9 is on the minus strand). VCF-style (leftmost placement, unchanged base first): chr22-36282781-CG-C. GRCh37 (hg19) VCF-style: chr22-36678827-CG-C.
Other names: p.Asp1925Thrfs*23; c.5769delC, p.Asp1925Thrfs (NM_002473.5); short protein forms D1925fs.
Identifiers: ClinVar variation 4542445 (VCV004542445.1).